The following is an entry in ClinVar:

NM_015910.7(WDPCP):c.1419_1420del (p.Leu474fs)

Gene: WDPCP (WD repeat containing planar cell polarity effector; minus strand). Cytogenetic location: 2p15.
Variant type: Deletion.
Coding change: c.1419_1420del on transcript NM_015910.7 (MANE Select); coding-DNA positions 1419 to 1420, 2 bases deleted (GC; older notation c.1419_1420delGC).
Protein change: p.Leu474fs; shifts the reading frame from leucine 474.
Molecular consequence: frameshift variant. On other transcripts: non-coding transcript variant (3).
Genome position (GRCh38, 1-based): chr2:63,404,063-63,404,064, GC deleted on the plus strand (GC on the coding strand, the reverse complement: WDPCP is on the minus strand). VCF-style (leftmost placement, unchanged base first): chr2-63404062-AGC-A. GRCh37 (hg19) VCF-style: chr2-63631197-AGC-A.
Other names: c.942_943del, p.Leu315fs (NM_001042692.3); c.1347_1348del, p.Leu450fs (NM_001354044.2); c.1419_1420del, p.Leu474fs (NM_001354045.2); short protein forms L315fs, L450fs, L474fs.
Identifiers: ClinVar variation 1389598 (VCV001389598.6), dbSNP rs1281918775, ClinGen allele CA533658245.

ClinVar aggregate classification (germline): Pathogenic (1 of 4 stars; one submission).

Conditions:
Bardet-Biedl syndrome (BBS). Identifiers: Orphanet 110, MedGen C0752166, MONDO:0015229.

Allele frequency attached by ClinVar (database versions not stated): gnomAD exomes below 0.00001.

Submission:

Labcorp Genetics (formerly Invitae), Labcorp
Classification: Pathogenic for Bardet-Biedl syndrome. Last evaluated: 2020-11-12. Review status: criteria provided, single submitter. Criteria: Invitae Variant Classification Sherloc (09022015). Collection method: clinical testing. Allele origin: germline.
Comment: This sequence change creates a premature translational stop signal (p.Leu474Valfs*3) in the WDPCP gene. It is expected to result in an absent or disrupted protein product. Loss-of-function variants in WDPCP are known to be pathogenic (PMID: 20671153, 25427950, 27158779). This variant is not present in population databases (ExAC no frequency). This variant has not been reported in the literature in individuals with WDPCP-related conditions. For these reasons, this variant has been classified as Pathogenic.

Literature cited by the submitters: PubMed 20671153; PubMed 25427950; PubMed 27158779.